The following is an entry in ClinVar:

ClinVar aggregate classification (germline): Pathogenic (1 of 4 stars; one submission).

Conditions:
Deficiency of alpha-mannosidase (MANSA). Also called: LYSOSOMAL ALPHA-D-MANNOSIDASE DEFICIENCY; Alpha-Mannosidosis; Mannosidosis, alpha-, types I and II. Identifiers: Orphanet 61, MedGen C0024748, MONDO:0009561, OMIM 248500.

Submission:

Myriad Genetics, Inc.
Classification: Pathogenic for Deficiency of alpha-mannosidase. Last evaluated: 2024-06-13. Review status: criteria provided, single submitter. Criteria: Myriad Autosomal Dominant, Autosomal Recessive and X-Linked Classification Criteria (2023). Collection method: clinical testing. Allele origin: unknown.
Comment: NM_000528.3(MAN2B1):c.2505_2512dup8(V838Gfs*89) is expected to be pathogenic in the context of alpha-mannosidosis. This variant is predicted to lead to an abnormal or absent protein product due to the creation of a premature termination codon in MAN2B1, a gene where loss-of-function variants are known to be pathogenic. Please note: this variant was assessed in the context of healthy population screening.

NM_000528.4(MAN2B1):c.2505_2512dup (p.Val838fs)

Gene: MAN2B1 (mannosidase alpha class 2B member 1; minus strand). Cytogenetic location: 19p13.13.
Variant type: Duplication.
Coding change: c.2505_2512dup on transcript NM_000528.4 (MANE Select); coding-DNA positions 2505 to 2512, 8 bases duplicated (GGCGTGGG; older notation c.2505_2512dupGGCGTGGG).
Protein change: p.Val838fs; shifts the reading frame from valine 838.
Molecular consequence: frameshift variant.
Genome position (GRCh38, 1-based): chr19:12,648,327-12,648,334, CCCACGCC duplicated on the plus strand (GGCGTGGG on the coding strand, the reverse complement: MAN2B1 is on the minus strand); duplicating any 8 consecutive bases within chr19:12,648,327-12,648,337 gives the same sequence; the c. name uses the placement nearest the transcript's 3' end. VCF-style (leftmost placement, unchanged base first): chr19-12648326-A-ACCCACGCC. GRCh37 (hg19) VCF-style: chr19-12759140-A-ACCCACGCC.
Other names: c.2502_2509dup, p.Val837fs (NM_001173498.2); c.2508_2515dup, p.Val839fs (NM_001440570.1); short protein forms V837fs, V838fs, V839fs.
Identifiers: ClinVar variation 5013174 (VCV005013174.1).